The following is an entry in ClinVar:

NM_004655.4(AXIN2):c.103C>T (p.Pro35Ser)

Gene: AXIN2 (axin 2; minus strand). Cytogenetic location: 17q24.1.
Variant type: single nucleotide variant.
Coding change: c.103C>T on transcript NM_004655.4 (MANE Select); coding-DNA position 103, C replaced by T.
Protein change: p.Pro35Ser; replaces proline 35 with serine.
Molecular consequence: missense variant.
Genome position (GRCh38, 1-based): chr17:65,558,518, G>A on the plus strand (C>T on the coding strand, the complement: AXIN2 is on the minus strand). VCF-style: chr17-65558518-G-A. GRCh37 (hg19) VCF-style: chr17-63554636-G-A.
Other names: c.103C>T, p.Pro35Ser (NM_001363813.1); short protein forms P35S.
Identifiers: ClinVar variation 1314997 (VCV001314997.5), dbSNP rs2144591021, ClinGen allele CA400682182.

ClinVar aggregate classification (germline): Uncertain significance. Review status: criteria provided, multiple submitters, no conflicts (2 of 4 stars). 3 submissions from 3 submitters: Uncertain significance (3). Last evaluated 2026-07-07.

Conditions:
Hereditary cancer-predisposing syndrome. Also called: Neoplastic Syndromes, Hereditary; Tumor predisposition; Hereditary Cancer Syndrome; Hereditary neoplastic syndrome. Identifiers: Orphanet 140162, MedGen C0027672, MeSH D009386, MONDO:0015356.
Oligodontia-cancer predisposition syndrome. Also called: TOOTH AGENESIS-COLORECTAL CANCER SYNDROME. Identifiers: Orphanet 300576, MedGen C1837750, MONDO:0012075, OMIM 608615. Disease mechanism: loss of function.

Submissions (3):

Ambry Genetics
Classification: Uncertain significance for Hereditary cancer-predisposing syndrome. Last evaluated: 2026-07-07. Review status: criteria provided, single submitter. Criteria: Ambry Variant Classification Scheme 2023. Collection method: clinical testing. Allele origin: germline.
Comment: The p.P35S variant (also known as c.103C>T), located in coding exon 1 of the AXIN2 gene, results from a C to T substitution at nucleotide position 103. The proline at codon 35 is replaced by serine, an amino acid with similar properties. This amino acid position is conserved. In addition, this alteration is predicted to be tolerated by in silico analysis. Based on the available evidence, the clinical significance of this variant remains unclear.

Labcorp Genetics (formerly Invitae), Labcorp
Classification: Uncertain significance for Oligodontia-cancer predisposition syndrome. Last evaluated: 2024-03-06. Review status: criteria provided, single submitter. Criteria: Invitae Variant Classification Sherloc (09022015). Collection method: clinical testing. Allele origin: germline.
Comment: This sequence change replaces proline, which is neutral and non-polar, with serine, which is neutral and polar, at codon 35 of the AXIN2 protein (p.Pro35Ser). This variant is not present in population databases (gnomAD no frequency). This variant has not been reported in the literature in individuals affected with AXIN2-related conditions. ClinVar contains an entry for this variant (Variation ID: 1314997). Advanced modeling of protein sequence and biophysical properties (such as structural, functional, and spatial information, amino acid conservation, physicochemical variation, residue mobility, and thermodynamic stability) performed at Invitae indicates that this missense variant is not expected to disrupt AXIN2 protein function with a negative predictive value of 80%. In summary, the available evidence is currently insufficient to determine the role of this variant in disease. Therefore, it has been classified as a Variant of Uncertain Significance.

GeneDx
Classification: Uncertain significance. Last evaluated: 2021-04-30. Review status: criteria provided, single submitter. Criteria: GeneDx Variant Classification Process June 2021. Collection method: clinical testing. Allele origin: germline. Affected: yes.
Comment: Not observed in large population cohorts (Lek 2016); In silico analysis supports that this missense variant does not alter protein structure/function; Has not been previously published as pathogenic or benign to our knowledge